The following is an entry in ClinVar:

ClinVar aggregate classification (germline): Pathogenic. Review status: reviewed by expert panel (3 of 4 stars). 4 submissions from 4 submitters: Pathogenic (1). 3 of the submissions do not count toward it. Last evaluated 2023-08-04.

Conditions:
CDH1-related diffuse gastric and lobular breast cancer syndrome. Also called: CDH1-related diffuse gastric and lobular breast cancer. Identifiers: MedGen CN311521, MONDO:0100488.
Hereditary diffuse gastric adenocarcinoma (HDGC). Also called: DIFFUSE GASTRIC AND LOBULAR BREAST CANCER SYNDROME. Identifiers: Orphanet 26106, MedGen C1708349, MONDO:0007648, OMIM 137215.

Submissions (4):

Clingen Gastric Cancer Variant Curation Expert Panel
Classification: Pathogenic for CDH1-related diffuse gastric and lobular breast cancer syndrome. Last evaluated: 2023-08-04. Review status: reviewed by expert panel. Criteria: ClinGen CDH1 ACMG Specifications V3.1. Collection method: curation. Allele origin: germline. Inheritance: Autosomal dominant inheritance.
Comment: The c.696_697delTC p.(His233fs) variant is predicted to result in a premature stop codon that leads to nonsense mediate decay (PVS1 and PM5_supporting). The variant is absent in the gnomAD cohort (PM2_supporting). Therefore, this variant meets criteria to be classified as pathogenic based on the ACMG/AMP criteria applied as specified by the CDH1 Variant Curation Expert Panel (CDH1 VCEP specifications version 3.1): PVS1, PM2_supporting, PM5_supporting.

Myriad Genetics, Inc.
Classification: Pathogenic for Hereditary diffuse gastric adenocarcinoma. Last evaluated: 2023-08-25. Review status: criteria provided, single submitter. Criteria: Myriad Autosomal Dominant, Autosomal Recessive and X-Linked Classification Criteria (2023). Collection method: clinical testing. Allele origin: unknown. Not counted in ClinVar's aggregate classification.
Comment: This variant is considered pathogenic. This variant creates a frameshift predicted to result in premature protein truncation.

European Reference Network on Genetic Tumour Risk Syndromes (ERN-GENTURIS), i3s - Instituto de Investigação e Inovação em Saúde, University of Porto
Classification: Pathogenic for Hereditary diffuse gastric adenocarcinoma. Last evaluated: 2022-08-01. Review status: criteria provided, single submitter. Criteria: Lee et al. (Hum Mutat. 2018). Collection method: clinical testing. Allele origin: germline. Inheritance: Autosomal dominant inheritance. Affected: yes. Study: ERN GENTURIS. Not counted in ClinVar's aggregate classification.
Comment: PVS1; PS4_Supporting; PM2 (PMID: 30311375)

Labcorp Genetics (formerly Invitae), Labcorp
Classification: Pathogenic for Hereditary diffuse gastric adenocarcinoma. Last evaluated: 2021-08-12. Review status: criteria provided, single submitter. Criteria: Invitae Variant Classification Sherloc (09022015). Collection method: clinical testing. Allele origin: germline. Not counted in ClinVar's aggregate classification.
Comment: This sequence change creates a premature translational stop signal (p.His233Argfs*10) in the CDH1 gene. It is expected to result in an absent or disrupted protein product. This variant is not present in population databases (ExAC no frequency). This variant has not been reported in the literature in individuals with CDH1-related disease. ClinVar contains an entry for this variant (Variation ID: 406615). Loss-of-function variants in CDH1 are known to be pathogenic (PMID: 15235021, 20373070). For these reasons, this variant has been classified as Pathogenic.

Literature cited by the submitters: PubMed 36436516 (cited by European Reference Network on Genetic Tumour Risk Syndromes (ERN-GENTURIS), i3s - Instituto de Investigação e Inovação em Saúde, University of Porto); PubMed 28688938 (cited by European Reference Network on Genetic Tumour Risk Syndromes (ERN-GENTURIS), i3s - Instituto de Investigação e Inovação em Saúde, University of Porto); PubMed 15235021 (cited by Labcorp Genetics (formerly Invitae), Labcorp); PubMed 20373070 (cited by Labcorp Genetics (formerly Invitae), Labcorp).

NM_004360.5(CDH1):c.696_697del (p.His233fs)

Gene: CDH1 (cadherin 1; plus strand). Cytogenetic location: 16q22.1.
Variant type: Microsatellite.
Coding change: c.696_697del on transcript NM_004360.5 (MANE Select); coding-DNA positions 696 to 697, 2 bases deleted (TC; older notation c.696_697delTC).
Protein change: p.His233fs; shifts the reading frame from histidine 233.
Molecular consequence: frameshift variant. On other transcripts: 5 prime UTR variant (2).
Genome position (GRCh38, 1-based): chr16:68,810,205-68,810,206, TC deleted; deleting any 2 consecutive bases within chr16:68,810,201-68,810,206 gives the same sequence; the c. name uses the placement nearest the transcript's 3' end. VCF-style (leftmost placement, unchanged base first): chr16-68810200-TTC-T. GRCh37 (hg19) VCF-style: chr16-68844103-TTC-T.
Other names: c.692_693TC[2] (NM_004360.5); c.696_697del (NM_004360.4); c.696_697del, p.His233fs (NM_001317184.2); c.-924TC[2] (NM_001317185.2); c.-1128TC[2] (NM_001317186.2); short protein forms H233fs.
Identifiers: ClinVar variation 406615 (VCV000406615.12), dbSNP rs1060501214, ClinGen allele CA16614952.